The following is an entry in ClinVar:

ClinVar aggregate classification (germline): Uncertain significance. Review status: criteria provided, multiple submitters, no conflicts (2 of 4 stars). 2 submissions from 2 submitters: Uncertain significance (2). Last evaluated 2024-12-08.

Conditions:
Hereditary pancreatitis (PCTT). Also called: PRSS1-Related Hereditary Pancreatitis; Hereditary chronic pancreatitis. Identifiers: Orphanet 676, MedGen C0238339, MONDO:0008185, OMIM 167800.

Allele frequency attached by ClinVar (database versions not stated): gnomAD 0.00001; ExAC 0.00002; gnomAD exomes 0.00002 and 0.00003; 1000 Genomes Project 30x 0.00016; 1000 Genomes Project 0.00020.
gnomAD v4.1: 44 of 1,614,098 alleles (0.0027%); highest among the groups gnomAD compares: Non-Finnish European, 0.0037%; no homozygotes.

Submissions (2):

Ambry Genetics
Classification: Uncertain significance for Hereditary pancreatitis. Last evaluated: 2024-12-08. Review status: criteria provided, single submitter. Criteria: Ambry Variant Classification Scheme 2023. Collection method: clinical testing. Allele origin: germline.
Comment: The p.G202A variant (also known as c.605G>C), located in coding exon 5 of the PRSS1 gene, results from a G to C substitution at nucleotide position 605. The glycine at codon 202 is replaced by alanine, an amino acid with similar properties. This amino acid position is highly conserved in available vertebrate species. In addition, this alteration is predicted to be deleterious by BayesDel in silico analysis. Since supporting evidence is limited at this time, the clinical significance of this alteration remains unclear.

Labcorp Genetics (formerly Invitae), Labcorp
Classification: Uncertain significance for Hereditary pancreatitis. Last evaluated: 2024-12-02. Review status: criteria provided, single submitter. Criteria: Invitae Variant Classification Sherloc (09022015). Collection method: clinical testing. Allele origin: germline.
Comment: This sequence change replaces glycine, which is neutral and non-polar, with alanine, which is neutral and non-polar, at codon 202 of the PRSS1 protein (p.Gly202Ala). The frequency data for this variant in the population databases is considered unreliable, as metrics indicate poor data quality at this position in the gnomAD database. This variant has not been reported in the literature in individuals affected with PRSS1-related conditions. ClinVar contains an entry for this variant (Variation ID: 665711). Invitae Evidence Modeling of protein sequence and biophysical properties (such as structural, functional, and spatial information, amino acid conservation, physicochemical variation, residue mobility, and thermodynamic stability) has been performed for this missense variant. However, the output from this modeling did not meet the statistical confidence thresholds required to predict the impact of this variant on PRSS1 protein function. In summary, the available evidence is currently insufficient to determine the role of this variant in disease. Therefore, it has been classified as a Variant of Uncertain Significance.

NM_002769.5(PRSS1):c.605G>C (p.Gly202Ala)

Genes: PRSS1 (serine protease 1; plus strand), TRB (T cell receptor beta locus; plus strand). Cytogenetic location: 7q34.
Variant type: single nucleotide variant.
Coding change: c.605G>C on transcript NM_002769.5 (MANE Select); coding-DNA position 605, G replaced by C.
Protein change: p.Gly202Ala; replaces glycine 202 with alanine.
Molecular consequence: missense variant.
Genome position (GRCh38, 1-based): chr7:142,752,881, G>C. VCF-style: chr7-142752881-G-C. GRCh37 (hg19) VCF-style: chr7-142460732-G-C.
Other names: short protein forms G202A.
Identifiers: ClinVar variation 665711 (VCV000665711.16), dbSNP rs199531292, ClinGen allele CA4530115.